The following is an entry in ClinVar:

ClinVar aggregate classification (germline): Uncertain significance (1 of 4 stars; one submission).

Submission:

Labcorp Genetics (formerly Invitae), Labcorp
Classification: Uncertain significance. Last evaluated: 2021-10-31. Review status: criteria provided, single submitter. Criteria: Invitae Variant Classification Sherloc (09022015). Collection method: clinical testing. Allele origin: germline.
Comment: In summary, the available evidence is currently insufficient to determine the role of this variant in disease. Therefore, it has been classified as a Variant of Uncertain Significance. This variant has not been reported in the literature in individuals affected with RNF43-related conditions. This variant is present in population databases (rs755967475, gnomAD 0.0009%). This sequence change creates a premature translational stop signal (p.Pro441Leufs*61) in the RNF43 gene. It is expected to result in an absent or disrupted protein product. However, the current clinical and genetic evidence is not sufficient to establish whether loss-of-function variants in RNF43 cause disease.

NM_017763.6(RNF43):c.1322del (p.Pro441fs)

Gene: RNF43 (ring finger protein 43; minus strand). Cytogenetic location: 17q22.
Variant type: Deletion.
Coding change: c.1322del on transcript NM_017763.6 (MANE Select); coding-DNA position 1322, one base deleted (C; older notation c.1322delC).
Protein change: p.Pro441fs; shifts the reading frame from proline 441.
Molecular consequence: frameshift variant.
Genome position (GRCh38, 1-based): chr17:58,358,454, G deleted on the plus strand (C on the coding strand, the reverse complement: RNF43 is on the minus strand); the first of 5 consecutive G bases (chr17:58,358,454-58,358,458); deleting any one gives the same sequence. VCF-style (leftmost placement, unchanged base first): chr17-58358453-AG-A. GRCh37 (hg19) VCF-style: chr17-56435814-AG-A.
Other names: c.1318delC, p.Pro441Leufs (NM_001305544.3); c.937delC, p.Pro314Leufs (NM_001305545.2); short protein forms P314fs, P441fs.
Identifiers: ClinVar variation 1430193 (VCV001430193.6), dbSNP rs755967475, ClinGen allele CA8673193.